The following is an entry in ClinVar:

NM_022042.4(SLC26A1):c.1668G>A (p.Gln556=)

Genes: IDUA (alpha-L-iduronidase; plus strand), SLC26A1 (solute carrier family 26 member 1; minus strand). Cytogenetic location: 4p16.3.
Variant type: single nucleotide variant.
Coding change: c.1668G>A on transcript NM_022042.4 (MANE Select); coding-DNA position 1668, G replaced by A.
Protein change: p.Gln556=; no amino-acid change (glutamine 556 retained).
Molecular consequence: synonymous variant. On other transcripts: intron variant (2).
Genome position (GRCh38, 1-based): chr4:989,271, C>T on the plus strand (G>A on the coding strand, the complement: SLC26A1 is on the minus strand). VCF-style: chr4-989271-C-T. GRCh37 (hg19) VCF-style: chr4-983059-C-T.
Other names: c.299+1322C>T (NM_000203.5); c.1668G>A, p.Gln556= (NM_213613.4); c.576+1857G>A (NM_134425.4).
Identifiers: ClinVar variation 2634445 (VCV002634445.1), dbSNP rs376909897, ClinGen allele CA2801316.

ClinVar aggregate classification (germline): Uncertain significance (1 of 4 stars; one submission).

Conditions:
SLC26A1-related disorder. Also called: SLC26A1-related condition.

Allele frequency attached by ClinVar (database versions not stated): ExAC 0.00001; gnomAD exomes 0.00003; ESP Exome Variant Server 0.00008.
gnomAD v4.1: 47 of 1,612,610 alleles (0.0029%); highest among the groups gnomAD compares: Non-Finnish European, 0.0036%; no homozygotes.

Submission:

PreventionGenetics, part of Exact Sciences
Classification: Uncertain significance for SLC26A1-related condition. Last evaluated: 2023-02-16. Review status: criteria provided, single submitter. Criteria: ACMG Guidelines, 2015. Collection method: clinical testing. Allele origin: germline.
Comment: The SLC26A1 c.1668G>A variant is not predicted to result in an amino acid change (p.=). To our knowledge, this variant has not been reported in the literature. This variant is reported in 0.0039% of alleles in individuals of European (Non-Finnish) descent in gnomAD. At this time, the clinical significance of this variant is uncertain due to the absence of conclusive functional and genetic evidence.